The following is an entry in ClinVar:

NM_004380.3(CREBBP):c.3267G>C (p.Glu1089Asp)

Gene: CREBBP (CREB binding lysine acetyltransferase; minus strand). Cytogenetic location: 16p13.3.
Variant type: single nucleotide variant.
Coding change: c.3267G>C on transcript NM_004380.3 (MANE Select); coding-DNA position 3267, G replaced by C.
Protein change: p.Glu1089Asp; replaces glutamic acid 1089 with aspartic acid.
Molecular consequence: missense variant.
Genome position (GRCh38, 1-based): chr16:3,758,956, C>G on the plus strand (G>C on the coding strand, the complement: CREBBP is on the minus strand). VCF-style: chr16-3758956-C-G. GRCh37 (hg19) VCF-style: chr16-3808957-C-G.
Other names: c.3153G>C, p.Glu1051Asp (NM_001079846.1); short protein forms E1051D, E1089D.
Identifiers: ClinVar variation 3348203 (VCV003348203.1).
Genomic context (GRCh38, chr16:3,758,956, plus strand): 5'-TAATGACTCTGGGTCCTGTCGATACAGTGCTTCTAGGGTTGGCATGAGGGCCTGGCGTAA[C>G]TCCTCTGGTTTAAAGACTGCAGAGAAAACATCAAGAAAAGACACTTTGTAAAAGGTGCTC-3'
Protein context (NP_004371.2, residues 1079-1099): QPRKKIFKPE[Glu1089Asp]LRQALMPTLE

ClinVar aggregate classification (germline): Uncertain significance (0 of 4 stars; one submission).

Conditions:
CREBBP-related disorder. Also called: CREBBP-related condition; CREBBP-related disorders.

Submission:

PreventionGenetics, part of Exact Sciences
Classification: Uncertain significance for CREBBP-related condition. Last evaluated: 2024-01-24. Review status: no assertion criteria provided. Collection method: clinical testing. Allele origin: germline.
Comment: The CREBBP c.3267G>C variant is predicted to result in the amino acid substitution p.Glu1089Asp. To our knowledge, this variant has not been reported in the literature or in a large population database, indicating this variant is rare. At this time, the clinical significance of this variant is uncertain due to the absence of conclusive functional and genetic evidence.